The following is an entry in ClinVar:

ClinVar aggregate classification (germline): Uncertain significance. Review status: criteria provided, multiple submitters, no conflicts (2 of 4 stars). 2 submissions from 2 submitters: Uncertain significance (2). Last evaluated 2025-11-26.

gnomAD v4.1: 5 of 1,614,036 alleles (0.00031%); highest among the groups gnomAD compares: African/African-American, 0.0013%; no homozygotes.

Submissions (2):

Labcorp Genetics (formerly Invitae), Labcorp
Classification: Uncertain significance. Last evaluated: 2025-11-26. Review status: criteria provided, single submitter. Criteria: Invitae Variant Classification Sherloc (09022015). Collection method: clinical testing. Allele origin: germline.
Comment: This sequence change replaces arginine, which is basic and polar, with cysteine, which is neutral and slightly polar, at codon 749 of the RNF31 protein (p.Arg749Cys). This variant is present in population databases (rs746707083, gnomAD 0.0009%). This variant has not been reported in the literature in individuals affected with RNF31-related conditions. ClinVar contains an entry for this variant (Variation ID: 3608229). An algorithm developed to predict the effect of missense changes on protein structure and function (PolyPhen-2) suggests that this variant is likely to be tolerated. In summary, the available evidence is currently insufficient to determine the role of this variant in disease. Therefore, it has been classified as a Variant of Uncertain Significance.

Blueprint Genetics
Classification: Uncertain significance. Last evaluated: 2022-03-18. Review status: criteria provided, single submitter. Criteria: ACMG Guidelines, 2015. Collection method: clinical testing. Allele origin: germline.

NM_017999.5(RNF31):c.2245C>T (p.Arg749Cys)

Gene: RNF31 (ring finger protein 31; plus strand). Cytogenetic location: 14q12.
Variant type: single nucleotide variant.
Coding change: c.2245C>T on transcript NM_017999.5 (MANE Select); coding-DNA position 2245, C replaced by T.
Protein change: p.Arg749Cys; replaces arginine 749 with cysteine.
Molecular consequence: missense variant.
Genome position (GRCh38, 1-based): chr14:24,155,271, C>T. VCF-style: chr14-24155271-C-T. GRCh37 (hg19) VCF-style: chr14-24624480-C-T.
Other names: c.1792C>T, p.Arg598Cys (NM_001310332.2); short protein forms R598C, R749C.
Identifiers: ClinVar variation 3608229 (VCV003608229.3).